The following is an entry in ClinVar:

ClinVar aggregate classification (germline): Conflicting classifications of pathogenicity. Review status: criteria provided, conflicting classifications (1 of 4 stars). 2 submissions from 2 submitters: Uncertain significance (1); Likely benign (1). Last evaluated 2024-06-07.

Conditions:
Inborn genetic diseases. Identifiers: MedGen C0950123, MeSH D030342.

Allele frequency attached by ClinVar (database versions not stated): gnomAD exomes 0.00001; TOPMed 0.00001; ExAC 0.00002; gnomAD 0.00002.
gnomAD v4.1: 25 of 1,613,700 alleles (0.0015%); highest among the groups gnomAD compares: East Asian, 0.018%; no homozygotes.

Submissions (2):

Ambry Genetics
Classification: Likely benign for Inborn genetic diseases. Last evaluated: 2024-06-07. Review status: criteria provided, single submitter. Criteria: Ambry Variant Classification Scheme 2023. Collection method: clinical testing. Allele origin: germline.

Labcorp Genetics (formerly Invitae), Labcorp
Classification: Uncertain significance. Last evaluated: 2024-02-12. Review status: criteria provided, single submitter. Criteria: Invitae Variant Classification Sherloc (09022015). Collection method: clinical testing. Allele origin: germline.
Comment: This sequence change replaces glycine, which is neutral and non-polar, with glutamic acid, which is acidic and polar, at codon 319 of the OSGEP protein (p.Gly319Glu). This variant is present in population databases (rs749843747, gnomAD 0.01%). This variant has not been reported in the literature in individuals affected with OSGEP-related conditions. ClinVar contains an entry for this variant (Variation ID: 1915192). Advanced modeling of protein sequence and biophysical properties (such as structural, functional, and spatial information, amino acid conservation, physicochemical variation, residue mobility, and thermodynamic stability) performed at Invitae indicates that this missense variant is not expected to disrupt OSGEP protein function with a negative predictive value of 80%. In summary, the available evidence is currently insufficient to determine the role of this variant in disease. Therefore, it has been classified as a Variant of Uncertain Significance.

NM_017807.4(OSGEP):c.956G>A (p.Gly319Glu)

Gene: OSGEP (O-sialoglycoprotein endopeptidase; minus strand). Cytogenetic location: 14q11.2.
Variant type: single nucleotide variant.
Coding change: c.956G>A on transcript NM_017807.4 (MANE Select); coding-DNA position 956, G replaced by A.
Protein change: p.Gly319Glu; replaces glycine 319 with glutamic acid.
Molecular consequence: missense variant.
Genome position (GRCh38, 1-based): chr14:20,447,434, C>T on the plus strand (G>A on the coding strand, the complement: OSGEP is on the minus strand). VCF-style: chr14-20447434-C-T. GRCh37 (hg19) VCF-style: chr14-20915593-C-T.
Other names: short protein forms G319E.
Identifiers: ClinVar variation 1915192 (VCV001915192.6), dbSNP rs749843747, ClinGen allele CA7081031.